The following is an entry in ClinVar:

ClinVar aggregate classification (germline): Uncertain significance. Review status: criteria provided, multiple submitters, no conflicts (2 of 4 stars). 2 submissions from 2 submitters: Uncertain significance (2). Last evaluated 2026-03-12.

Conditions:
Inborn genetic diseases. Identifiers: MedGen C0950123, MeSH D030342.

Submissions (2):

Ambry Genetics
Classification: Uncertain significance for Inborn genetic diseases. Last evaluated: 2026-03-12. Review status: criteria provided, single submitter. Criteria: Ambry Variant Classification Scheme 2023. Collection method: clinical testing. Allele origin: germline.

GeneDx
Classification: Uncertain significance. Last evaluated: 2021-12-22. Review status: criteria provided, single submitter. Criteria: GeneDx Variant Classification Process June 2021. Collection method: clinical testing. Allele origin: germline. Affected: yes.
Comment: Not observed at significant frequency in large population cohorts (gnomAD); In silico analysis supports that this missense variant has a deleterious effect on protein structure/function; Has not been previously published as pathogenic or benign to our knowledge

NM_003070.5(SMARCA2):c.2527A>T (p.Ile843Phe)

Gene: SMARCA2 (SWI/SNF related BAF chromatin remodeling complex subunit ATPase 2; plus strand). Cytogenetic location: 9p24.3.
Variant type: single nucleotide variant.
Coding change: c.2527A>T on transcript NM_003070.5 (MANE Select); coding-DNA position 2527, A replaced by T.
Protein change: p.Ile843Phe; replaces isoleucine 843 with phenylalanine.
Molecular consequence: missense variant.
Genome position (GRCh38, 1-based): chr9:2,086,829, A>T. VCF-style: chr9-2086829-A-T. GRCh37 (hg19) VCF-style: chr9-2086829-A-T.
Other names: c.2527A>T, p.Ile843Phe (NM_001289396.2, NM_001289397.2, NM_139045.4); short protein forms I843F.
Identifiers: ClinVar variation 1693069 (VCV001693069.3), dbSNP rs2130486187, ClinGen allele CA372784788.